The following is an entry in ClinVar:

ClinVar aggregate classification (germline): Benign. Review status: criteria provided, multiple submitters, no conflicts (2 of 4 stars). 9 submissions from 9 submitters: Benign (6). 3 of the submissions do not count toward it. Last evaluated 2026-02-04.

Conditions:
Asphyxiating thoracic dystrophy 3. Also called: SHORT-RIB THORACIC DYSPLASIA 3 WITH OR WITHOUT POLYDACTYLY; POLYDACTYLY WITH NEONATAL CHONDRODYSTROPHY, TYPE I; SHORT-RIB THORACIC DYSPLASIA 3/6 WITH POLYDACTYLY, DIGENIC; Short rib polydactyly syndrome 2B; Saldino-Noonan Syndrome. Identifiers: Orphanet 474, Orphanet 93269, Orphanet 93270, Orphanet 93271, MedGen C0036069, MONDO:0013127, OMIM 613091.
Jeune thoracic dystrophy. Also called: Infantile thoracic dystrophy; Thoracic pelvic phalangeal dystrophy; Jeune's syndrome; Chondroectodermal dysplasia-like syndrome; Short-rib thoracic dysplasia; Jeune syndrome. Identifiers: Orphanet 474, MedGen C0265275, MONDO:0018770.

Allele frequency attached by ClinVar (database versions not stated): TOPMed 0.17614; ESP Exome Variant Server 0.17940; 1000 Genomes Project 0.18111; 1000 Genomes Project 30x 0.19051.
gnomAD v4.1: 208,974 of 1,612,672 alleles (13%); highest among the groups gnomAD compares: African/African-American, 32%; 15,438 homozygotes.

Submissions (9):

Labcorp Genetics (formerly Invitae), Labcorp
Classification: Benign for Jeune thoracic dystrophy. Last evaluated: 2026-02-04. Review status: criteria provided, single submitter. Criteria: Invitae Variant Classification Sherloc (09022015). Collection method: clinical testing. Allele origin: germline.

Blueprint Genetics
Classification: Benign. Last evaluated: 2024-11-27. Review status: criteria provided, single submitter. Criteria: ACMG Guidelines, 2015. Collection method: clinical testing. Allele origin: germline.

Mayo Clinic Laboratories, Mayo Clinic
Classification: Benign. Last evaluated: 2022-03-09. Review status: criteria provided, single submitter. Criteria: ACMG Guidelines, 2015. Collection method: clinical testing. Allele origin: germline. Observed: 23 variant alleles.

Illumina Laboratory Services, Illumina
Classification: Benign for Asphyxiating thoracic dystrophy 3. Last evaluated: 2018-01-13. Review status: criteria provided, single submitter. Criteria: ICSL Variant Classification Criteria 13 December 2019. Collection method: clinical testing. Allele origin: germline.
Comment: This variant was observed in the ICSL laboratory as part of a predisposition screen in an ostensibly healthy population. It had not been previously curated by ICSL or reported in the Human Gene Mutation Database (HGMD: prior to June 1st, 2018), and was therefore a candidate for classification through an automated scoring system. Utilizing variant allele frequency, disease prevalence and penetrance estimates, and inheritance mode, an automated score was calculated to assess if this variant is too frequent to cause the disease. Based on the score and internal cut-off values, a variant classified as benign is not then subjected to further curation. The score for this variant resulted in a classification of benign for this disease.

GeneDx
Classification: Benign. Last evaluated: 2016-03-29. Review status: criteria provided, single submitter. Criteria: GeneDx Variant Classification (06012015). Collection method: clinical testing. Allele origin: germline. Affected: yes.
Comment: This variant is considered likely benign or benign based on one or more of the following criteria: it is a conservative change, it occurs at a poorly conserved position in the protein, it is predicted to be benign by multiple in silico algorithms, and/or has population frequency not consistent with disease.

Breakthrough Genomics
Classification: Benign. Review status: criteria provided, single submitter. Criteria: ACMG Guidelines, 2015. Collection method: not provided. Allele origin: germline. Inheritance: Autosomal recessive inheritance. Affected: yes.

Clinical Genetics DNA and cytogenetics Diagnostics Lab, Erasmus MC, Erasmus Medical Center
Classification: Benign. Review status: no assertion criteria provided. Collection method: clinical testing. Allele origin: germline. Affected: yes. Study: VKGL Data-share Consensus. Not counted in ClinVar's aggregate classification.

Diagnostic Laboratory, Department of Genetics, University Medical Center Groningen
Classification: Benign. Review status: no assertion criteria provided. Collection method: clinical testing. Allele origin: germline. Affected: yes. Study: VKGL Data-share Consensus. Not counted in ClinVar's aggregate classification.

Joint Genome Diagnostic Labs from Nijmegen and Maastricht, Radboudumc and MUMC+
Classification: Benign. Review status: no assertion criteria provided. Collection method: clinical testing. Allele origin: germline. Affected: yes. Study: VKGL Data-share Consensus. Not counted in ClinVar's aggregate classification.

NM_001377.3(DYNC2H1):c.10164T>G (p.Thr3388=)

Gene: DYNC2H1 (dynein cytoplasmic 2 heavy chain 1; plus strand). Cytogenetic location: 11q22.3.
Variant type: single nucleotide variant.
Coding change: c.10164T>G on transcript NM_001377.3 (MANE Select); coding-DNA position 10164, T replaced by G.
Protein change: p.Thr3388=; no amino-acid change (threonine 3388 retained).
Molecular consequence: synonymous variant.
Genome position (GRCh38, 1-based): chr11:103,253,406, T>G. VCF-style: chr11-103253406-T-G. GRCh37 (hg19) VCF-style: chr11-103124135-T-G.
Other names: p.Thr3395=; c.10185T>G, p.Thr3395= (NM_001080463.2).
Identifiers: ClinVar variation 302088 (VCV000302088.28), dbSNP rs11225634, ClinGen allele CA6254899.